The following is an entry in ClinVar:

NM_020812.4(DOCK6):c.6094G>A (p.Gly2032Ser)

Gene: DOCK6 (dedicator of cytokinesis 6; minus strand). Cytogenetic location: 19p13.2.
Variant type: single nucleotide variant.
Coding change: c.6094G>A on transcript NM_020812.4 (MANE Select); coding-DNA position 6094, G replaced by A.
Protein change: p.Gly2032Ser; replaces glycine 2032 with serine.
Molecular consequence: missense variant.
Genome position (GRCh38, 1-based): chr19:11,200,315, C>T on the plus strand (G>A on the coding strand, the complement: DOCK6 is on the minus strand). VCF-style: chr19-11200315-C-T. GRCh37 (hg19) VCF-style: chr19-11310991-C-T.
Other names: c.6199G>A, p.Gly2067Ser (NM_001367830.1); short protein forms G2032S, G2067S.
Identifiers: ClinVar variation 4872234 (VCV004872234.2).
Genomic context (GRCh38, chr19:11,200,315, plus strand): 5'-CTGCCTCTGCATCCCCTCTCTAGTCTCTAGGATGGGGGCACTAGGTCAGGCACCTGAGGC[C>T]GGGTGGGGTGGGTGCCATCAGCTGGGGCAGGCGCTGGGTAAGCAGGGGCTGCAGAGCCTC-3'
Protein context (NP_065863.2, residues 2022-2042): LPQLMAPTPP[Gly2032Ser]LRNSLNRASF

ClinVar aggregate classification (germline): Likely benign (1 of 4 stars; one submission).

gnomAD v4.1: 21 of 1,564,540 alleles (0.0013%); highest among the groups gnomAD compares: African/African-American, 0.0041%; 1 homozygote.

Submission:

CeGaT Center for Human Genetics Tuebingen
Classification: Likely benign. Last evaluated: 2026-06-01. Review status: criteria provided, single submitter. Criteria: CeGaT Center For Human Genetics Tuebingen Variant Classification Criteria Version 2. Collection method: clinical testing. Allele origin: germline. Affected: yes. Observed: 1 variant allele.
Comment: DOCK6: BP4